The following is an entry in ClinVar:

ClinVar aggregate classification (germline): Conflicting classifications of pathogenicity. Review status: criteria provided, conflicting classifications (1 of 4 stars). 5 submissions from 5 submitters: Uncertain significance (2); Likely benign (2). 1 of the submissions does not count toward it. Last evaluated 2026-01-28.

Conditions:
ADSL-related disorder. Also called: ADSL-related condition.
Adenylosuccinate lyase deficiency (ADSLD). Also called: ADSL DEFICIENCY. Identifiers: Orphanet 46, MedGen C0268126, MONDO:0007068, OMIM 103050.

Allele frequency attached by ClinVar (database versions not stated): gnomAD 0.00145 and 0.00155; TOPMed 0.00189; ESP Exome Variant Server 0.00200; 1000 Genomes Project 0.00220; 1000 Genomes Project 30x 0.00234.
gnomAD v4.1: 464 of 1,614,186 alleles (0.029%); highest among the groups gnomAD compares: African/African-American, 0.52%; no homozygotes.

Submissions (5):

Labcorp Genetics (formerly Invitae), Labcorp
Classification: Likely benign for Adenylosuccinate lyase deficiency. Last evaluated: 2026-01-28. Review status: criteria provided, single submitter. Criteria: Invitae Variant Classification Sherloc (09022015). Collection method: clinical testing. Allele origin: germline.

Women's Health and Genetics/Laboratory Corporation of America, LabCorp
Classification: Uncertain significance. Last evaluated: 2023-11-16. Review status: criteria provided, single submitter. Criteria: LabCorp Variant Classification Summary - May 2015. Collection method: clinical testing. Allele origin: germline.
Comment: Variant summary: ADSL c.616G>T (p.Ala206Ser) results in a conservative amino acid change located in the Fumarate lyase, N-terminal (IPR022761) of the encoded protein sequence. Four of five in-silico tools predict a damaging effect of the variant on protein function. The variant allele was found at a frequency of 0.00044 in 251426 control chromosomes. To our knowledge, no occurrence of c.616G>T in individuals affected with Adenylosuccinate Lyase Deficiency and no experimental evidence demonstrating its impact on protein function have been reported. Three submitters have cited clinical-significance assessments for this variant to ClinVar after 2014. Based on the evidence outlined above, the variant was classified as uncertain significance.

GeneDx
Classification: Uncertain significance. Last evaluated: 2023-04-20. Review status: criteria provided, single submitter. Criteria: GeneDx Variant Classification Process June 2021. Collection method: clinical testing. Allele origin: germline. Affected: yes.
Comment: Identified in a patient with Parkinson's disease (Oluwole et al., 2020); In silico analysis supports that this missense variant has a deleterious effect on protein structure/function; This variant is associated with the following publications: (PMID: 32019516)

Eurofins Ntd Llc (ga)
Classification: Likely benign. Last evaluated: 2017-06-27. Review status: criteria provided, single submitter. Criteria: EGL Classification Definitions 2015. Collection method: clinical testing. Allele origin: germline. Observed: 1 variant allele, 1 heterozygote.

PreventionGenetics, part of Exact Sciences
Classification: Likely benign for ADSL-related condition. Last evaluated: 2020-01-02. Review status: no assertion criteria provided. Collection method: clinical testing. Allele origin: germline. Not counted in ClinVar's aggregate classification.
Comment: This variant is classified as likely benign based on ACMG/AMP sequence variant interpretation guidelines (Richards et al. 2015 PMID: 25741868, with internal and published modifications).

NM_000026.4(ADSL):c.616G>T (p.Ala206Ser)

Gene: ADSL (adenylosuccinate lyase; plus strand). Cytogenetic location: 22q13.1.
Variant type: single nucleotide variant.
Coding change: c.616G>T on transcript NM_000026.4 (MANE Select); coding-DNA position 616, G replaced by T.
Protein change: p.Ala206Ser; replaces alanine 206 with serine.
Molecular consequence: missense variant. On other transcripts: non-coding transcript variant (1).
Genome position (GRCh38, 1-based): chr22:40,358,997, G>T. VCF-style: chr22-40358997-G-T. GRCh37 (hg19) VCF-style: chr22-40755001-G-T.
Other names: p.A206S:GCC>TCC; c.616G>T, p.Ala206Ser (NM_001123378.3, NM_001363840.3); c.424G>T, p.Ala142Ser (NM_001317923.2); c.616G>T (NM_000026.3); short protein forms A206S, A142S.
Identifiers: ClinVar variation 204784 (VCV000204784.22), dbSNP rs148411623, ClinGen allele CA313090.